The following is an entry in ClinVar:

ClinVar aggregate classification (germline): Benign. Review status: criteria provided, multiple submitters, no conflicts (2 of 4 stars). 4 submissions from 4 submitters: Benign (3). 1 of the submissions does not count toward it. Last evaluated 2026-02-02.

Conditions:
DVL3-related disorder. Also called: DVL3-related condition.

Allele frequency attached by ClinVar (database versions not stated): ExAC 0.02045; gnomAD exomes 0.02351 and 0.01859; 1000 Genomes Project 30x 0.00984; ESP Exome Variant Server 0.01866; 1000 Genomes Project 0.01058; gnomAD 0.01837 and 0.01921; TOPMed 0.01892.
gnomAD v4.1: 37,073 of 1,611,858 alleles (2.3%); highest among the groups gnomAD compares: Non-Finnish European, 2.7%; 500 homozygotes.

Submissions (4):

Labcorp Genetics (formerly Invitae), Labcorp
Classification: Benign. Last evaluated: 2026-02-02. Review status: criteria provided, single submitter. Criteria: Invitae Variant Classification Sherloc (09022015). Collection method: clinical testing. Allele origin: germline.

GeneDx
Classification: Benign. Last evaluated: 2020-09-21. Review status: criteria provided, single submitter. Criteria: GeneDx Variant Classification Process June 2021. Collection method: clinical testing. Allele origin: germline. Affected: yes.

Breakthrough Genomics
Classification: Benign. Review status: criteria provided, single submitter. Criteria: ACMG Guidelines, 2015. Collection method: not provided. Allele origin: germline. Inheritance: Autosomal dominant inheritance. Affected: yes.

PreventionGenetics, part of Exact Sciences
Classification: Benign for DVL3-related condition. Last evaluated: 2019-12-09. Review status: no assertion criteria provided. Collection method: clinical testing. Allele origin: germline. Not counted in ClinVar's aggregate classification.
Comment: This variant is classified as benign based on ACMG/AMP sequence variant interpretation guidelines (Richards et al. 2015 PMID: 25741868, with internal and published modifications).

NM_004423.4(DVL3):c.1714+6G>A

Gene: DVL3 (dishevelled segment polarity protein 3; plus strand). Cytogenetic location: 3q27.1.
Variant type: single nucleotide variant.
Coding change: c.1714+6G>A on transcript NM_004423.4 (MANE Select); 6 bases into the intron after coding-DNA position 1714, G replaced by A.
Molecular consequence: intron variant.
Genome position (GRCh38, 1-based): chr3:184,170,227, G>A. VCF-style: chr3-184170227-G-A. GRCh37 (hg19) VCF-style: chr3-183888015-G-A.
Other names: c.1714+6G>A (NM_004423.3).
Identifiers: ClinVar variation 1166755 (VCV001166755.13), dbSNP rs147393618, ClinGen allele CA2727490.
Genomic context (GRCh38, chr3:184,170,227, plus strand): 5'-CCGGAGCTGGGCTACAGCTACGGCGGGGGCAGCGCCAGCAGTCAGCACAGCGAAGGTAAG[G>A]TAGAGGGGCCGTGGAGGAAGGCTATAGGTGGGCCCCAGGCTTCCCCCGCCCGCTCAGCCT-3'